The following is an entry in ClinVar:

NM_000051.4(ATM):c.4924G>C (p.Gly1642Arg)

Gene: ATM (ATM serine/threonine kinase; plus strand). Cytogenetic location: 11q22.3.
Variant type: single nucleotide variant.
Coding change: c.4924G>C on transcript NM_000051.4 (MANE Select); coding-DNA position 4924, G replaced by C.
Protein change: p.Gly1642Arg; replaces glycine 1642 with arginine.
Molecular consequence: missense variant.
Genome position (GRCh38, 1-based): chr11:108,297,301, G>C. VCF-style: chr11-108297301-G-C. GRCh37 (hg19) VCF-style: chr11-108168028-G-C.
Other names: c.4924G>C, p.Gly1642Arg (NM_001351834.2); short protein forms G1642R.
Identifiers: ClinVar variation 2774676 (VCV002774676.2), dbSNP rs2135861446, ClinGen allele CA382538069.

ClinVar aggregate classification (germline): Uncertain significance (1 of 4 stars; one submission).

Conditions:
Hereditary cancer-predisposing syndrome. Also called: Neoplastic Syndromes, Hereditary; Tumor predisposition; Hereditary Cancer Syndrome; Hereditary neoplastic syndrome. Identifiers: Orphanet 140162, MedGen C0027672, MeSH D009386, MONDO:0015356.

Submission:

Color Diagnostics, LLC DBA Color Health
Classification: Uncertain significance for Hereditary cancer-predisposing syndrome. Last evaluated: 2024-03-06. Review status: criteria provided, single submitter. Criteria: ACMG Guidelines, 2015. Collection method: clinical testing. Allele origin: germline.
Comment: This missense variant replaces glycine with arginine at codon 1642 of the ATM protein. Computational prediction suggests that this variant may not impact protein structure and function (internally defined REVEL score threshold <= 0.5, PMID: 27666373). To our knowledge, functional studies have not been reported for this variant. This variant has not been reported in individuals affected with hereditary cancer in the literature. This variant has not been identified in the general population by the Genome Aggregation Database (gnomAD). The available evidence is insufficient to determine the role of this variant in disease conclusively. Therefore, this variant is classified as a Variant of Uncertain Significance.